The following is an entry in ClinVar:

ClinVar aggregate classification (germline): Conflicting classifications of pathogenicity. Review status: criteria provided, conflicting classifications (1 of 4 stars). 12 submissions from 12 submitters: Uncertain significance (7); Benign (1); Likely benign (4). Last evaluated 2026-02-08.

Conditions:
AIRE-related disorder. Also called: AIRE-related condition.
Polyglandular autoimmune syndrome, type 1 (APS1). Also called: Autoimmune polyendocrine syndrome type 1; AUTOIMMUNE POLYENDOCRINE SYNDROME, TYPE I, WITH OR WITHOUT REVERSIBLE METAPHYSEAL DYSPLASIA; PGA I; Autoimmune polyendocrinopathy syndrome, type I; Whitaker syndrome; APS I. Identifiers: Orphanet 3453, MedGen C0085859, MONDO:0009411, OMIM 240300.

Allele frequency attached by ClinVar (database versions not stated): 1000 Genomes Project 0.00060; 1000 Genomes Project 30x 0.00062; gnomAD 0.00100 and 0.00101; TOPMed 0.00101; ESP Exome Variant Server 0.00123; ExAC 0.00133; gnomAD exomes 0.00147 and 0.00163.
gnomAD v4.1: 2,545 of 1,596,942 alleles (0.16%); highest among the groups gnomAD compares: Middle Eastern, 0.31%; 6 homozygotes.

Submissions (12):

PreventionGenetics, part of Exact Sciences
Classification: Uncertain significance for AIRE-related condition. Last evaluated: 2026-02-08. Review status: criteria provided, single submitter. Criteria: ACMG Guidelines, 2015. Collection method: clinical testing. Allele origin: germline.
Comment: The AIRE c.1322C>T variant is predicted to result in the amino acid substitution p.Thr441Met. This variant has been reported in an individual with systemic sclerosis with autoimmune thyroiditis (Ferrera et al. 2007. PubMed ID: 17101293). It has also been reported in an individual with primary immunodeficiency disease (Chi et al. 2018. PubMed ID: 30290665) and in an individual with autosomal dominant hypocalcemia type I (Case 3, Ali et al. 2023. PubMed ID: 37654565) where both individuals also harbored variants in other genes. This variant is reported in 0.35% of alleles in individuals of Ashkenazi Jewish descent in gnomAD. In gnomAD v4 (available only on GRCh38), this variant has been reported in six homozygotes. Although we suspect that this variant may be benign, at this time, the clinical significance of this variant is uncertain due to the absence of conclusive functional and genetic evidence.

Labcorp Genetics (formerly Invitae), Labcorp
Classification: Benign for Polyglandular autoimmune syndrome, type 1. Last evaluated: 2026-02-02. Review status: criteria provided, single submitter. Criteria: Invitae Variant Classification Sherloc (09022015). Collection method: clinical testing. Allele origin: germline.

CeGaT Center for Human Genetics Tuebingen
Classification: Likely benign. Last evaluated: 2025-07-01. Review status: criteria provided, single submitter. Criteria: CeGaT Center For Human Genetics Tuebingen Variant Classification Criteria Version 2. Collection method: clinical testing. Allele origin: germline. Affected: yes. Observed: 4 variant alleles.
Comment: AIRE: PP3, BS1

Blueprint Genetics
Classification: Likely benign. Last evaluated: 2024-11-27. Review status: criteria provided, single submitter. Criteria: ACMG Guidelines, 2015. Collection method: clinical testing. Allele origin: germline.

Revvity Omics, Revvity
Classification: Uncertain significance for Polyglandular autoimmune syndrome, type 1. Last evaluated: 2024-01-24. Review status: criteria provided, single submitter. Criteria: ACMG Guidelines, 2015. Collection method: clinical testing. Allele origin: germline.

National Institute of Allergy and Infectious Diseases - Centralized Sequencing Program, National Institutes of Health
Classification: Uncertain significance for APECED. Last evaluated: 2023-09-14. Review status: criteria provided, single submitter. Criteria: ACMG Guidelines, 2015. Collection method: clinical testing. Allele origin: germline. Affected: yes.

Women's Health and Genetics/Laboratory Corporation of America, LabCorp
Classification: Likely benign. Last evaluated: 2023-09-01. Review status: criteria provided, single submitter. Criteria: LabCorp Variant Classification Summary - May 2015. Collection method: clinical testing. Allele origin: germline.
Comment: Variant summary: AIRE c.1322C>T (p.Thr441Met) results in a non-conservative amino acid change located in the Zinc finger, PHD-type domain of the encoded protein sequence. Four of five in-silico tools predict a benign effect of the variant on protein function. The variant allele was found at a frequency of 0.0014 in 269480 control chromosomes, including one homozygote, predominantly at a frequency of 0.0035 within the Ashkenazi Jewish subpopulation in the gnomAD database. The observed variant frequency within Ashkenazi Jewish control individuals in the gnomAD database is approximately 1.3 fold of the estimated maximal expected allele frequency for a pathogenic variant in AIRE causing Autoimmune Polyglandular Syndrome Type 1 phenotype (0.0028), while, the frequency within South Asian control individuals is equal to the estimated maximal expected allele frequency for a pathogenic variant; these data suggesting that the variant is a benign polymorphism. c.1322C>T has been reported in the literature in individuals affected with Addison disease, primary immunodeficiency disease and autoimmune thyroiditis, Sjogren syndrome and mendelian susceptibility to mycobacterial diseases (Chi_2018, Ferrera_2007, Mazza_unpublished abstract_2006. Suratannon_2020). These reports do not provide unequivocal conclusions about association of the variant with Autoimmune Polyglandular Syndrome Type 1. To our knowledge, no experimental evidence demonstrating an impact on protein function has been reported. The following publications have been ascertained in the context of this evaluation (PMID: 17101293, No_PMID, 30290665, 32373116). Five ClinVar submitters (evaluation after 2014) cite the variant as uncertain significance (n=4) and benign (n=1). Based on the evidence outlined above, the variant was classified as likely benign.

Department of Pathology and Laboratory Medicine, Sinai Health System
Classification: Likely benign for autoimmune polyendocrine syndrome type 1. Last evaluated: 2023-06-22. Review status: criteria provided, single submitter. Criteria: ACMG Guidelines, 2015. Collection method: research. Allele origin: germline.

Genome-Nilou Lab
Classification: Uncertain significance for Polyglandular autoimmune syndrome, type 1. Last evaluated: 2021-05-18. Review status: criteria provided, single submitter. Criteria: ACMG Guidelines, 2015. Collection method: clinical testing. Allele origin: germline. Affected: no.

GeneDx
Classification: Uncertain significance. Last evaluated: 2021-01-25. Review status: criteria provided, single submitter. Criteria: GeneDx Variant Classification Process June 2021. Collection method: clinical testing. Allele origin: germline. Affected: yes.
Comment: In silico analysis, which includes protein predictors and evolutionary conservation, supports that this variant does not alter protein structure/function; This variant is associated with the following publications: (PMID: 30290665, 27266815, 17101293)

New York Genome Center
Classification: Uncertain significance for Polyglandular autoimmune syndrome, type 1. Last evaluated: 2020-07-09. Review status: criteria provided, single submitter. Criteria: NYGC Assertion Criteria 2020. Collection method: clinical testing. Allele origin: inherited. Observed: 1 heterozygote. Study: CSER-NYCKidSeq.

Genetic Services Laboratory, University of Chicago
Classification: Uncertain significance. Last evaluated: 2016-11-07. Review status: criteria provided, single submitter. Criteria: ACMG Guidelines, 2015. Collection method: clinical testing. Allele origin: germline. Affected: no.

Literature cited by the submitters: PubMed 17101293 (cited by National Institute of Allergy and Infectious Diseases - Centralized Sequencing Program, National Institutes of Health and Women's Health and Genetics/Laboratory Corporation of America, LabCorp); PubMed 30290665 (cited by National Institute of Allergy and Infectious Diseases - Centralized Sequencing Program, National Institutes of Health and Women's Health and Genetics/Laboratory Corporation of America, LabCorp); PubMed 34426522 (cited by National Institute of Allergy and Infectious Diseases - Centralized Sequencing Program, National Institutes of Health); PubMed 32373116 (cited by Women's Health and Genetics/Laboratory Corporation of America, LabCorp).

NM_000383.4(AIRE):c.1322C>T (p.Thr441Met)

Gene: AIRE (autoimmune regulator; plus strand). Cytogenetic location: 21q22.3.
Variant type: single nucleotide variant.
Coding change: c.1322C>T on transcript NM_000383.4 (MANE Select); coding-DNA position 1322, C replaced by T.
Protein change: p.Thr441Met; replaces threonine 441 with methionine.
Molecular consequence: missense variant.
Genome position (GRCh38, 1-based): chr21:44,293,832, C>T. VCF-style: chr21-44293832-C-T. GRCh37 (hg19) VCF-style: chr21-45713715-C-T.
Other names: short protein forms T441M.
Identifiers: ClinVar variation 35660 (VCV000035660.57), dbSNP rs72650677, ClinGen allele CA213495.